The following is an entry in ClinVar:

ClinVar aggregate classification (germline): Conflicting classifications of pathogenicity. Review status: criteria provided, conflicting classifications (1 of 4 stars). 6 submissions from 6 submitters: Uncertain significance (1); Benign (1); Likely benign (3). 1 of the submissions does not count toward it. Last evaluated 2026-09-01.

Conditions:
Duane-radial ray syndrome (DRRS). Also called: Okihiro Syndrome; Duane-Radial Ray Syndrome (DRRS) / Okihiro Syndrome; Duane-Radial Ray Syndrome/Okihiro Syndrome; ACRORENOOCULAR SYNDROME; DR SYNDROME; DUANE ANOMALY WITH RADIAL RAY ABNORMALITIES AND DEAFNESS. Identifiers: Orphanet 93293, Orphanet 959, MedGen C1623209, MONDO:0011812, OMIM 607323. Disease mechanism: gain of function.
SALL4-Related Disorders. Also called: SALL4-related condition; SALL4-related disorder. Identifiers: MedGen CN381056.

Allele frequency attached by ClinVar (database versions not stated): TOPMed 0.00130; 1000 Genomes Project 0.00040; 1000 Genomes Project 30x 0.00047; ESP Exome Variant Server 0.00092; gnomAD 0.00105 and 0.00106.
gnomAD v4.1: 1,813 of 1,614,090 alleles (0.11%); highest among the groups gnomAD compares: Middle Eastern, 0.21%; 3 homozygotes.

Submissions (6):

CeGaT Center for Human Genetics Tuebingen
Classification: Benign. Last evaluated: 2026-09-01. Review status: criteria provided, single submitter. Criteria: CeGaT Center For Human Genetics Tuebingen Variant Classification Criteria Version 2. Collection method: clinical testing. Allele origin: germline. Affected: yes. Observed: 7 variant alleles.
Comment: SALL4: BS1, BS2

Labcorp Genetics (formerly Invitae), Labcorp
Classification: Likely benign for Duane-radial ray syndrome. Last evaluated: 2026-01-15. Review status: criteria provided, single submitter. Criteria: Invitae Variant Classification Sherloc (09022015). Collection method: clinical testing. Allele origin: germline.

Blueprint Genetics
Classification: Likely benign. Last evaluated: 2024-11-21. Review status: criteria provided, single submitter. Criteria: ACMG Guidelines, 2015. Collection method: clinical testing. Allele origin: germline.

GeneDx
Classification: Likely benign. Last evaluated: 2019-08-28. Review status: criteria provided, single submitter. Criteria: GeneDx Variant Classification Process June 2021. Collection method: clinical testing. Allele origin: germline. Affected: yes.
Comment: In silico analysis, which includes protein predictors and evolutionary conservation, supports a deleterious effect; Has not been previously published as pathogenic or benign to our knowledge

Eurofins Ntd Llc (ga)
Classification: Uncertain significance. Last evaluated: 2017-12-19. Review status: criteria provided, single submitter. Criteria: EGL Classification Definitions 2015. Collection method: clinical testing. Allele origin: germline. Observed: 2 variant alleles, 2 heterozygotes.

PreventionGenetics, part of Exact Sciences
Classification: Likely benign for SALL4-related condition. Last evaluated: 2021-02-23. Review status: no assertion criteria provided. Collection method: clinical testing. Allele origin: germline. Not counted in ClinVar's aggregate classification.
Comment: This variant is classified as likely benign based on ACMG/AMP sequence variant interpretation guidelines (Richards et al. 2015 PMID: 25741868, with internal and published modifications).

NM_020436.5(SALL4):c.1287T>G (p.Phe429Leu)

Gene: SALL4 (spalt like transcription factor 4; minus strand). Cytogenetic location: 20q13.2.
Variant type: single nucleotide variant.
Coding change: c.1287T>G on transcript NM_020436.5 (MANE Select); coding-DNA position 1287, T replaced by G.
Protein change: p.Phe429Leu; replaces phenylalanine 429 with leucine.
Molecular consequence: missense variant. On other transcripts: intron variant (1).
Genome position (GRCh38, 1-based): chr20:51,791,196, A>C on the plus strand (T>G on the coding strand, the complement: SALL4 is on the minus strand). VCF-style: chr20-51791196-A-C. GRCh37 (hg19) VCF-style: chr20-50407735-A-C.
Other names: c.1150+137T>G (NM_001318031.2); c.1287T>G (LRG_675t1, NM_020436.4); short protein forms F429L.
Identifiers: ClinVar variation 286842 (VCV000286842.43), dbSNP rs143818932, ClinGen allele CA9912314.